The following is an entry in ClinVar:

NM_000441.2(SLC26A4):c.2170G>A (p.Asp724Asn)

Genes: SLC26A4 (solute carrier family 26 member 4; plus strand), LOC123956210 (Sharpr-MPRA regulatory region 3291; plus strand). Cytogenetic location: 7q22.3.
Variant type: single nucleotide variant.
Coding change: c.2170G>A on transcript NM_000441.2 (MANE Select); coding-DNA position 2170, G replaced by A.
Protein change: p.Asp724Asn; replaces aspartic acid 724 with asparagine.
Molecular consequence: missense variant.
Genome position (GRCh38, 1-based): chr7:107,710,134, G>A. VCF-style: chr7-107710134-G-A. GRCh37 (hg19) VCF-style: chr7-107350579-G-A.
Other names: short protein forms D724N.
Identifiers: ClinVar variation 553188 (VCV000553188.7), dbSNP rs994170964, ClinGen allele CA164228112.
Genomic context (GRCh38, chr7:107,710,134, plus strand): 5'-GAGCAATGCGGGTTCTTTGACGACAACATTAGAAAGGACACATTCTTTTTGACGGTCCAT[G>A]ATGCTATACTCTATCTACAGAACCAAGTGAAATCTCAAGAGGGTCAAGGTTCCATTTTAG-3'
Protein context (NP_000432.1, residues 714-734): RKDTFFLTVH[Asp724Asn]AILYLQNQVK

ClinVar aggregate classification (germline): Conflicting classifications of pathogenicity. Review status: criteria provided, conflicting classifications (1 of 4 stars). 5 submissions from 5 submitters: Pathogenic (1); Likely pathogenic (1); Uncertain significance (1). 2 of the submissions do not count toward it. Last evaluated 2025-07-23.

Conditions:
Pendred syndrome (PDS). Also called: DEAFNESS WITH GOITER; GOITER-DEAFNESS SYNDROME; Pendred Syndrome (PDS); HYPOTHYROIDISM, CONGENITAL, DUE TO DYSHORMONOGENESIS, 2B; THYROID DYSHORMONOGENESIS 2B; THYROID HORMONOGENESIS, GENETIC DEFECT IN, 2B. Identifiers: Orphanet 705, MedGen C0271829, MONDO:0010134, OMIM 274600.
Autosomal recessive nonsyndromic hearing loss 4 (DFNB4). Also called: Enlarged vestibular aqueduct, digenic; FOXI1-Related Pendred Syndrome; KCNJ10-Related Pendred Syndrome; DEAFNESS, AUTOSOMAL RECESSIVE 4, WITH ENLARGED VESTIBULAR AQUEDUCT, DIGENIC; Deafness, autosomal recessive 4; Nonsyndromic enlarged vestibular aqueduct (NSEVA). Identifiers: Orphanet 90636, MedGen C3538946, MONDO:0010933, OMIM 600791.

Allele frequency attached by ClinVar (database versions not stated): gnomAD 0.00002; TOPMed 0.00003.
gnomAD v4.1: 7 of 1,609,112 alleles (0.00044%); highest among the groups gnomAD compares: African/African-American, 0.0067%; no homozygotes.

Submissions (5):

Labcorp Genetics (formerly Invitae), Labcorp
Classification: Pathogenic. Last evaluated: 2025-07-23. Review status: criteria provided, single submitter. Criteria: Invitae Variant Classification Sherloc (09022015). Collection method: clinical testing. Allele origin: germline.
Comment: This sequence change replaces aspartic acid, which is acidic and polar, with asparagine, which is neutral and polar, at codon 724 of the SLC26A4 protein (p.Asp724Asn). This variant is present in population databases (no rsID available, gnomAD 0.03%). This missense change has been observed in individual(s) with Pendred syndrome (PMID: 15355436). ClinVar contains an entry for this variant (Variation ID: 553188). Invitae Evidence Modeling of protein sequence and biophysical properties (such as structural, functional, and spatial information, amino acid conservation, physicochemical variation, residue mobility, and thermodynamic stability) indicates that this missense variant is expected to disrupt SLC26A4 protein function with a positive predictive value of 95%. This variant disrupts the p.Asp724 amino acid residue in SLC26A4. Other variant(s) that disrupt this residue have been determined to be pathogenic (PMID: 14679580, 15811013, 19017801, 24224479). This suggests that this residue is clinically significant, and that variants that disrupt this residue are likely to be disease-causing. For these reasons, this variant has been classified as Pathogenic.

GeneDx
Classification: Likely pathogenic. Last evaluated: 2024-08-22. Review status: criteria provided, single submitter. Criteria: GeneDx Variant Classification Process June 2021. Collection method: clinical testing. Allele origin: germline. Affected: yes.
Comment: In silico analysis supports that this missense variant has a deleterious effect on protein structure/function; This variant is associated with the following publications: (PMID: 15355436)

Women's Health and Genetics/Laboratory Corporation of America, LabCorp
Classification: Uncertain significance. Last evaluated: 2023-08-17. Review status: criteria provided, single submitter. Criteria: LabCorp Variant Classification Summary - May 2015. Collection method: clinical testing. Allele origin: germline.
Comment: Variant summary: SLC26A4 c.2170G>A (p.Asp724Asn) results in a conservative amino acid change located in the STAS domain (IPR002645) of the encoded protein sequence. Four of five in-silico tools predict a damaging effect of the variant on protein function. The variant allele was found at a frequency of 2e-05 in 150994 control chromosomes (gnomAD). c.2170G>A has been reported in the literature as a biallelic genotype in at least one individual affected with Pendred Syndrome (Blons_2004). These data do not allow any conclusion about variant significance. To our knowledge, no experimental evidence demonstrating an impact on protein function has been reported. However, a different missense variant occuring at the same codon has been previously classified as pathogenic/likely pathogenic (p.Asp724Gly, ClinVar: 228396), suggesting this residue may be of clinical significance. The following publication has been ascertained in the context of this evaluation (PMID: 15355436). One ClinVar submitter has assessed the variant since 2014 and classified the variant as uncertain significance. Based on the evidence outlined above, the variant was classified as VUS-possibly pathogenic.

Wonkam Laboratory, Johns Hopkins University
Classification: Pathogenic for Autosomal recessive nonsyndromic hearing loss 4. Last evaluated: 2024-01-06. Review status: no assertion criteria provided. Collection method: research. Allele origin: unknown. Inheritance: Autosomal recessive inheritance. Affected: yes. Observed: 2 variant alleles. Not counted in ClinVar's aggregate classification.
Comment: The variant NM_000441.2 c.2170G>A is predicted by multiple lines of computational evidence supporting a deleterious effect on the gene or gene product (PP3), Located in a mutational hot spot and/or critical and well-established functional domain (PM1), Novel missense change at an amino acid residue where a different missense change determined to be pathogenic has been seen before (PM5), Absent from controls (or at extremely low frequency if recessive) in Exome Sequencing Project, 1000 Genomes Project, or Exome Aggregation Consortium (PM2), Cosegregation with disease in multiple affected family members in a gene definitively known to cause the disease (PP1), Patient's phenotype or family history is highly specific for a disease with a single genetic etiology (PP4). This variant was found as compound heterozygote with a known established pathogenic variant NM_000441.2 c.471C>T

Counsyl
Classification: Uncertain significance for Pendred syndrome. Last evaluated: 2017-08-04. Review status: no assertion criteria provided. Collection method: clinical testing. Allele origin: unknown. Not counted in ClinVar's aggregate classification.

Literature cited by the submitters: PubMed 15355436 (cited by 3 submitters); PubMed 14679580 (cited by Labcorp Genetics (formerly Invitae), Labcorp); PubMed 15811013 (cited by Labcorp Genetics (formerly Invitae), Labcorp); PubMed 19017801 (cited by Labcorp Genetics (formerly Invitae), Labcorp); PubMed 24224479 (cited by Labcorp Genetics (formerly Invitae), Labcorp); PubMed 16570074 (cited by Counsyl).